The following is an entry in ClinVar:

NM_172351.3(CD46):c.686G>A (p.Arg229Gln)

Gene: CD46 (CD46 molecule; plus strand). Cytogenetic location: 1q32.2.
Variant type: single nucleotide variant.
Coding change: c.686G>A on transcript NM_172351.3 (MANE Select); coding-DNA position 686, G replaced by A.
Protein change: p.Arg229Gln; replaces arginine 229 with glutamine.
Molecular consequence: missense variant.
Genome position (GRCh38, 1-based): chr1:207,767,025, G>A. VCF-style: chr1-207767025-G-A. GRCh37 (hg19) VCF-style: chr1-207940370-G-A.
Other names: c.686G>A, p.Arg229Gln (NM_002389.4, NM_153826.4, NM_172350.3 and 8 more transcripts); short protein forms R229Q.
Identifiers: ClinVar variation 1162905 (VCV001162905.26), dbSNP rs201380032, ClinGen allele CA1371707.

ClinVar aggregate classification (germline): Conflicting classifications of pathogenicity. Review status: criteria provided, conflicting classifications (1 of 4 stars). 5 submissions from 5 submitters: Likely pathogenic (1); Uncertain significance (4). Last evaluated 2026-09-17.

Conditions:
Atypical hemolytic-uremic syndrome. Identifiers: Orphanet 2134, MedGen C2931788, MONDO:0016244.
CD46-related disorder. Also called: CD46-related condition.

Allele frequency attached by ClinVar (database versions not stated): TOPMed 0.00006.
gnomAD v4.1: 132 of 1,613,150 alleles (0.0082%); highest among the groups gnomAD compares: Middle Eastern, 0.016%; no homozygotes.

Submissions (5):

Genomenon, Inc
Classification: Likely pathogenic for Atypical hemolytic-uremic syndrome. Last evaluated: 2026-09-17. Review status: criteria provided, single submitter. Criteria: Genomenon Sequence Variant Interpretation Standards - Updated. Collection method: curation. Allele origin: germline. Affected: yes.
Comment: CD46 p.Arg229Gln (c.686G>A) is a missense variant that changes the amino acid at codon 229 from arginine to glutamine. This variant has been observed in at least one proband affected with atypical hemolytic-uremic syndrome (PMID:31695590;30046676). This variant is located in a mutational hotspot and/or important functional domain. It is absent or not present at a significant frequency in gnomAD. In silico models predict that this variant is not damaging. In conclusion, we classify CD46 p.Arg229Gln (c.686G>A) as a likely pathogenic variant.

Labcorp Genetics (formerly Invitae), Labcorp
Classification: Uncertain significance. Last evaluated: 2025-10-27. Review status: criteria provided, single submitter. Criteria: Invitae Variant Classification Sherloc (09022015). Collection method: clinical testing. Allele origin: germline.
Comment: This sequence change replaces arginine, which is basic and polar, with glutamine, which is neutral and polar, at codon 229 of the CD46 protein (p.Arg229Gln). This variant is present in population databases (rs201380032, gnomAD 0.01%). This missense change has been observed in individual(s) with atypical hemolytic uremic syndrome (PMID: 30046676, 37369098). ClinVar contains an entry for this variant (Variation ID: 1162905). Invitae Evidence Modeling of protein sequence and biophysical properties (such as structural, functional, and spatial information, amino acid conservation, physicochemical variation, residue mobility, and thermodynamic stability) indicates that this missense variant is not expected to disrupt CD46 protein function with a negative predictive value of 80%. In summary, the available evidence is currently insufficient to determine the role of this variant in disease. Therefore, it has been classified as a Variant of Uncertain Significance.

CeGaT Center for Human Genetics Tuebingen
Classification: Uncertain significance. Last evaluated: 2024-11-01. Review status: criteria provided, single submitter. Criteria: CeGaT Center For Human Genetics Tuebingen Variant Classification Criteria Version 2. Collection method: clinical testing. Allele origin: germline. Affected: yes. Observed: 1 variant allele.
Comment: CD46: PM2:Supporting, PS4:Supporting, BP4

PreventionGenetics, part of Exact Sciences
Classification: Uncertain significance for CD46-related condition. Last evaluated: 2022-08-26. Review status: criteria provided, single submitter. Criteria: ACMG Guidelines, 2015. Collection method: clinical testing. Allele origin: germline.
Comment: The CD46 c.686G>A variant is predicted to result in the amino acid substitution p.Arg229Gln. This variant was reported in an individual with atypical hemolytic uremic syndrome, however that patient also carried a variant in the C3 gene (P16, Fidalgo et al. 2017. PubMed ID: 30046676). This variant is reported in 0.012% of alleles in individuals of African descent in gnomAD. At this time, the clinical significance of this variant is uncertain due to the absence of conclusive functional and genetic evidence.

Mayo Clinic Laboratories, Mayo Clinic
Classification: Uncertain significance. Last evaluated: 2022-05-20. Review status: criteria provided, single submitter. Criteria: ACMG Guidelines, 2015. Collection method: clinical testing. Allele origin: germline. Observed: 3 variant alleles.
Comment: BP4

Literature cited by the submitters: PubMed 31695590 (cited by Genomenon, Inc); PubMed 30046676 (cited by Genomenon, Inc and Labcorp Genetics (formerly Invitae), Labcorp); PubMed 37369098 (cited by Labcorp Genetics (formerly Invitae), Labcorp).